The following is an entry in ClinVar:

NM_022834.5(VWA1):c.350T>G (p.Leu117Arg)

Gene: VWA1 (von Willebrand factor A domain containing 1; plus strand). Cytogenetic location: 1p36.33.
Variant type: single nucleotide variant.
Coding change: c.350T>G on transcript NM_022834.5 (MANE Select); coding-DNA position 350, T replaced by G.
Protein change: p.Leu117Arg; replaces leucine 117 with arginine.
Molecular consequence: missense variant. On other transcripts: intron variant (1).
Genome position (GRCh38, 1-based): chr1:1,437,203, T>G. VCF-style: chr1-1437203-T-G. GRCh37 (hg19) VCF-style: chr1-1372583-T-G.
Other names: c.74-119T>G (NM_199121.3); short protein forms L117R.
Identifiers: ClinVar variation 2300741 (VCV002300741.3), dbSNP rs2523716074, ClinGen allele CA337881216.

ClinVar aggregate classification (germline): Uncertain significance (1 of 4 stars; one submission).

Submission:

Ambry Genetics
Classification: Uncertain significance. Last evaluated: 2026-04-07. Review status: criteria provided, single submitter. Criteria: Ambry Variant Classification Scheme 2023. Collection method: clinical testing. Allele origin: germline.
Comment: The c.350T>G (p.L117R) alteration is located in exon 2 (coding exon 2) of the VWA1 gene. This alteration results from a T to G substitution at nucleotide position 350, causing the leucine (L) at amino acid position 117 to be replaced by an arginine (R). This variant was not reported in population-based cohorts in the Genome Aggregation Database (gnomAD). This amino acid position is highly conserved in available vertebrate species. This alteration is predicted to be deleterious by in silico analysis. Based on insufficient or conflicting evidence, the clinical significance of this alteration remains unclear.